The following is an entry in ClinVar:

NM_000338.3(SLC12A1):c.479G>T (p.Gly160Val)

Gene: SLC12A1 (solute carrier family 12 member 1; plus strand). Cytogenetic location: 15q21.1.
Variant type: single nucleotide variant.
Coding change: c.479G>T on transcript NM_000338.3 (MANE Select); coding-DNA position 479, G replaced by T.
Protein change: p.Gly160Val; replaces glycine 160 with valine.
Molecular consequence: missense variant.
Genome position (GRCh38, 1-based): chr15:48,220,692, G>T. VCF-style: chr15-48220692-G-T. GRCh37 (hg19) VCF-style: chr15-48512889-G-T.
Other names: c.479G>T, p.Gly160Val (NM_001184832.2, NM_001384136.1); short protein forms G160V.
Identifiers: ClinVar variation 3348869 (VCV003348869.1).

ClinVar aggregate classification (germline): Uncertain significance (0 of 4 stars; one submission).

Conditions:
SLC12A1-related disorder. Also called: SLC12A1-related condition.

Submission:

PreventionGenetics, part of Exact Sciences
Classification: Uncertain significance for SLC12A1-related condition. Last evaluated: 2024-03-20. Review status: no assertion criteria provided. Collection method: clinical testing. Allele origin: germline.
Comment: The SLC12A1 c.479G>T variant is predicted to result in the amino acid substitution p.Gly160Val. To our knowledge, this variant has not been reported in the literature or in a large population database, indicating this variant is rare. At this time, the clinical significance of this variant is uncertain due to the absence of conclusive functional and genetic evidence.